The following is an entry in ClinVar:

NM_002474.3(MYH11):c.2226C>T (p.Asp742=)

Gene: MYH11 (myosin heavy chain 11; minus strand). Cytogenetic location: 16p13.11.
Variant type: single nucleotide variant.
Coding change: c.2226C>T on transcript NM_002474.3 (MANE Select); coding-DNA position 2226, C replaced by T.
Protein change: p.Asp742=; no amino-acid change (aspartic acid 742 retained).
Molecular consequence: synonymous variant.
Genome position (GRCh38, 1-based): chr16:15,747,898, G>A on the plus strand (C>T on the coding strand, the complement: MYH11 is on the minus strand). VCF-style: chr16-15747898-G-A. GRCh37 (hg19) VCF-style: chr16-15841755-G-A.
Other names: c.2226C>T (NM_002474.2); c.2247C>T, p.Asp749= (NM_001040113.2, NM_001040114.2); c.2226C>T, p.Asp742= (NM_022844.3).
Identifiers: ClinVar variation 923401 (VCV000923401.15), dbSNP rs745850224, ClinGen allele CA7922348.

ClinVar aggregate classification (germline): Likely benign. Review status: criteria provided, multiple submitters, no conflicts (2 of 4 stars). 7 submissions from 7 submitters: Likely benign (7). Last evaluated 2026-08-01.

Conditions:
Aortic aneurysm, familial thoracic 4 (AAT4). Also called: AORTIC ANEURYSM/AORTIC DISSECTION AND PATENT DUCTUS ARTERIOSUS. Identifiers: MedGen C1851504, MONDO:0007568, OMIM 132900.
MYH11-related disorder. Also called: MYH11-related condition.
Familial thoracic aortic aneurysm and aortic dissection (TAAD). Also called: Thoracic aortic aneurysms and dissections. Identifiers: Orphanet 91387, MedGen C4707243, MONDO:0019625.

Allele frequency attached by ClinVar (database versions not stated): ExAC 0.00001; gnomAD exomes 0.00001; TOPMed 0.00002; gnomAD 0.00003 and 0.00004.
gnomAD v4.1: 25 of 1,613,808 alleles (0.0015%); highest among the groups gnomAD compares: Middle Eastern, 0.016%; no homozygotes.

Submissions (7):

CeGaT Center for Human Genetics Tuebingen
Classification: Likely benign. Last evaluated: 2026-08-01. Review status: criteria provided, single submitter. Criteria: CeGaT Center For Human Genetics Tuebingen Variant Classification Criteria Version 2. Collection method: clinical testing. Allele origin: germline. Affected: yes. Observed: 1 variant allele.
Comment: MYH11: BP4, BP7

PreventionGenetics, part of Exact Sciences
Classification: Likely benign for MYH11-related condition. Last evaluated: 2026-05-18. Review status: criteria provided, single submitter. Criteria: ACMG Guidelines, 2015. Collection method: clinical testing. Allele origin: germline.
Comment: This variant is classified as likely benign based on ACMG/AMP sequence variant interpretation guidelines (Richards et al. 2015 PMID: 25741868, with internal and published modifications).

Labcorp Genetics (formerly Invitae), Labcorp
Classification: Likely benign for Aortic aneurysm, familial thoracic 4. Last evaluated: 2026-01-27. Review status: criteria provided, single submitter. Criteria: Invitae Variant Classification Sherloc (09022015). Collection method: clinical testing. Allele origin: germline.

Ambry Genetics
Classification: Likely benign for Familial thoracic aortic aneurysm and aortic dissection. Last evaluated: 2025-06-23. Review status: criteria provided, single submitter. Criteria: Ambry Variant Classification Scheme 2023. Collection method: clinical testing. Allele origin: germline.

All of Us Research Program, National Institutes of Health
Classification: Likely benign for Familial thoracic aortic aneurysm and aortic dissection. Last evaluated: 2024-05-30. Review status: criteria provided, single submitter. Criteria: ACMG Guidelines, 2015. Collection method: clinical testing. Allele origin: germline. Inheritance: Autosomal dominant inheritance. Observed: 8 variant alleles, 8 heterozygotes.
Comment: This study involves interpretation of variants in research participants for the purpose of population health screening. Participant phenotype was not available at the time of variant classification. Additional details can be found in publication PMID: 35346344, PMCID: PMC8962531

CHEO Genetics Diagnostic Laboratory, Children's Hospital of Eastern Ontario
Classification: Likely benign for Familial thoracic aortic aneurysm and aortic dissection. Last evaluated: 2022-09-30. Review status: criteria provided, single submitter. Criteria: ACMG Guidelines, 2015. Collection method: clinical testing. Allele origin: germline.

Color Diagnostics, LLC DBA Color Health
Classification: Likely benign for Familial thoracic aortic aneurysm and aortic dissection. Last evaluated: 2018-12-01. Review status: criteria provided, single submitter. Criteria: ACMG Guidelines, 2015. Collection method: clinical testing. Allele origin: germline.